The following is an entry in ClinVar:

ClinVar aggregate classification (germline): Conflicting classifications of pathogenicity. Review status: criteria provided, conflicting classifications (1 of 4 stars). 2 submissions from 2 submitters: Uncertain significance (1); Likely benign (1). Last evaluated 2025-12-10.

Conditions:
Inborn genetic diseases. Identifiers: MedGen C0950123, MeSH D030342.
Dyskeratosis congenita, autosomal dominant 6 (DKCA6). Identifiers: Orphanet 3322, MedGen C4225284, MONDO:0014690, OMIM 616553.

Allele frequency attached by ClinVar (database versions not stated): gnomAD exomes 0.00001; ExAC 0.00001.

Submissions (2):

Labcorp Genetics (formerly Invitae), Labcorp
Classification: Uncertain significance for Dyskeratosis congenita, autosomal dominant 6. Last evaluated: 2025-12-10. Review status: criteria provided, single submitter. Criteria: Invitae Variant Classification Sherloc (09022015). Collection method: clinical testing. Allele origin: germline.
Comment: This sequence change replaces serine, which is neutral and polar, with asparagine, which is neutral and polar, at codon 424 of the ACD protein (p.Ser424Asn). This variant is present in population databases (rs368783801, gnomAD 0.005%). This variant has not been reported in the literature in individuals affected with ACD-related conditions. ClinVar contains an entry for this variant (Variation ID: 1430870). Invitae Evidence Modeling of protein sequence and biophysical properties (such as structural, functional, and spatial information, amino acid conservation, physicochemical variation, residue mobility, and thermodynamic stability) indicates that this missense variant is not expected to disrupt ACD protein function with a negative predictive value of 80%. In summary, the available evidence is currently insufficient to determine the role of this variant in disease. Therefore, it has been classified as a Variant of Uncertain Significance.

Ambry Genetics
Classification: Likely benign for Inborn genetic diseases. Last evaluated: 2021-09-29. Review status: criteria provided, single submitter. Criteria: Ambry Variant Classification Scheme 2023. Collection method: clinical testing. Allele origin: germline.

NM_001082486.2(ACD):c.1013G>A (p.Ser338Asn)

Gene: ACD (ACD shelterin complex subunit and telomerase recruitment factor; minus strand). Cytogenetic location: 16q22.1.
Variant type: single nucleotide variant.
Coding change: c.1013G>A on transcript NM_001082486.2 (MANE Select); coding-DNA position 1013, G replaced by A.
Protein change: p.Ser338Asn; replaces serine 338 with asparagine.
Molecular consequence: missense variant.
Genome position (GRCh38, 1-based): chr16:67,658,179, C>T on the plus strand (G>A on the coding strand, the complement: ACD is on the minus strand). VCF-style: chr16-67658179-C-T. GRCh37 (hg19) VCF-style: chr16-67692082-C-T.
Other names: c.1004G>A, p.Ser335Asn (NM_022914.3); short protein forms S335N, S338N.
Identifiers: ClinVar variation 1430870 (VCV001430870.8), dbSNP rs368783801, ClinGen allele CA8114463.
Genomic context (GRCh38, chr16:67,658,179, plus strand): 5'-TGTGGACTGGGGACATGGCTACGGGGTGAGAGACTGGGAGTGCAGCTCTGGAGTGGGGAG[C>T]TGGGGGTACGGCTGGCGTGTGGGGACCTGGGGGTCAGGGTGGCAGGGGCTGAGCAGATGG-3'
Protein context (NP_001075955.2, residues 328-348): PRSPHASRTP[Ser338Asn]SPLQSCTPSL